The following is an entry in ClinVar:

NM_018089.3(ANKZF1):c.1940_1952del (p.Arg647fs)

Gene: ANKZF1 (ankyrin repeat and zinc finger peptidyl tRNA hydrolase 1; plus strand). Cytogenetic location: 2q35.
Variant type: Deletion.
Coding change: c.1940_1952del on transcript NM_018089.3 (MANE Select); coding-DNA positions 1940 to 1952, 13 bases deleted (GGCGATTTGCCGC).
Protein change: p.Arg647fs; shifts the reading frame from arginine 647.
Molecular consequence: frameshift variant.
Genome position (GRCh38, 1-based): chr2:219,235,844-219,235,856, GGCGATTTGCCGC deleted; deleting any 13 consecutive bases within chr2:219,235,842-219,235,856 gives the same sequence; the c. name uses the placement nearest the transcript's 3' end. VCF-style (leftmost placement, unchanged base first): chr2-219235841-AGCGGCGATTTGCC-A. GRCh37 (hg19) VCF-style: chr2-220100563-AGCGGCGATTTGCC-A.
Other names: c.1940_1952del, p.Arg647fs (NM_001042410.2); c.1310_1322del, p.Arg437fs (NM_001282792.2); short protein forms R647fs, R437fs.
Identifiers: ClinVar variation 3647447 (VCV003647447.2).

ClinVar aggregate classification (germline): Uncertain significance (1 of 4 stars; one submission).

Submission:

Labcorp Genetics (formerly Invitae), Labcorp
Classification: Uncertain significance. Last evaluated: 2024-03-24. Review status: criteria provided, single submitter. Criteria: Invitae Variant Classification Sherloc (09022015). Collection method: clinical testing. Allele origin: germline.
Comment: This sequence change creates a premature translational stop signal (p.Arg647Profs*48) in the ANKZF1 gene. While this is not anticipated to result in nonsense mediated decay, it is expected to disrupt the last 80 amino acid(s) of the ANKZF1 protein. This variant is not present in population databases (gnomAD no frequency). This variant has not been reported in the literature in individuals affected with ANKZF1-related conditions. Experimental studies and prediction algorithms are not available or were not evaluated, and the functional significance of this variant is currently unknown. In summary, the available evidence is currently insufficient to determine the role of this variant in disease. Therefore, it has been classified as a Variant of Uncertain Significance.